The following is an entry in ClinVar:

ClinVar aggregate classification (germline): Likely benign (1 of 4 stars; one submission).

Submission:

GeneDx
Classification: Likely benign. Last evaluated: 2017-12-26. Review status: criteria provided, single submitter. Criteria: GeneDx Variant Classification (06012015). Collection method: clinical testing. Allele origin: germline. Affected: yes.
Comment: This variant is considered likely benign or benign based on one or more of the following criteria: it is a conservative change, it occurs at a poorly conserved position in the protein, it is predicted to be benign by multiple in silico algorithms, and/or has population frequency not consistent with disease.

NM_001164508.2(NEB):c.15106A>G (p.Met5036Val)

Gene: NEB (nebulin; minus strand). Cytogenetic location: 2q23.3.
Variant type: single nucleotide variant.
Coding change: c.15106A>G on transcript NM_001164508.2 (MANE Select); coding-DNA position 15106, A replaced by G.
Protein change: p.Met5036Val; replaces methionine 5036 with valine.
Molecular consequence: missense variant. On other transcripts: intron variant (1).
Genome position (GRCh38, 1-based): chr2:151,590,029, T>C on the plus strand (A>G on the coding strand, the complement: NEB is on the minus strand). VCF-style: chr2-151590029-T-C. GRCh37 (hg19) VCF-style: chr2-152446543-T-C.
Other names: c.15106A>G, p.Met5036Val (NM_001164507.2, NM_001271208.2); c.11602-13675A>G (NM_004543.5); short protein forms M5036V.
Identifiers: ClinVar variation 514222 (VCV000514222.1), dbSNP rs1553847933, ClinGen allele CA348761036.
Genomic context (GRCh38, chr2:151,590,029, plus strand): 5'-GGCGATAGTCCACATCACTTGCCAGTGCCTGACCTTCTTTGGCAGCGCTGATGGACACCA[T>C]GTCCACAGGGATGGAGATCTTGGCTTTGTGGTCGTTGTAGGCCTTTTTGTACAGCCTGTC-3'
Protein context (NP_001157980.2, residues 5026-5046): HKAKISIPVD[Met5036Val]VSISAAKEGQ